The following is an entry in ClinVar:

NM_013296.5(GPSM2):c.1930G>A (p.Asp644Asn)

Genes: CLCC1 (chloride channel CLIC like 1; minus strand), GPSM2 (G protein signaling modulator 2; plus strand). Cytogenetic location: 1p13.3.
Variant type: single nucleotide variant.
Coding change: c.1930G>A on transcript NM_013296.5 (MANE Select); coding-DNA position 1930, G replaced by A.
Protein change: p.Asp644Asn; replaces aspartic acid 644 with asparagine.
Molecular consequence: missense variant. On other transcripts: 3 prime UTR variant (17), non-coding transcript variant (1).
Genome position (GRCh38, 1-based): chr1:108,929,815, G>A. VCF-style: chr1-108929815-G-A. GRCh37 (hg19) VCF-style: chr1-109472437-G-A.
Other names: c.*2732C>T (NM_001048210.3, NM_001278202.2, NM_001278203.1 and 10 more transcripts); c.*2737C>T (NM_001377459.1, NM_001377460.1, NM_001377462.1 and 1 more transcripts); c.1930G>A, p.Asp644Asn (NM_001321038.2, NM_001321039.3); short protein forms D644N.
Identifiers: ClinVar variation 4990858 (VCV004990858.1).

ClinVar aggregate classification (germline): Uncertain significance (1 of 4 stars; one submission).

Conditions:
GPSM2-related disorder. Also called: GPSM2-related disorders; GPSM2-related condition.

gnomAD v4.1: 71 of 1,614,138 alleles (0.0044%); highest among the groups gnomAD compares: South Asian, 0.075%; no homozygotes.

Submission:

PreventionGenetics, part of Exact Sciences
Classification: Uncertain significance for GPSM2-related condition. Last evaluated: 2026-09-01. Review status: criteria provided, single submitter. Criteria: ACMG Guidelines, 2015. Collection method: clinical testing. Allele origin: germline.
Comment: The GPSM2 c.1930G>A variant is predicted to result in the amino acid substitution p.Asp644Asn. To our knowledge, this variant has not been reported in the literature. This variant is reported in 0.062% of alleles in individuals of South Asian descent in gnomAD. Although we suspect that this variant may be benign, at this time, the clinical significance of this variant is uncertain due to the absence of conclusive functional and genetic evidence.